The following is an entry in ClinVar:

NM_001003800.2(BICD2):c.165C>A (p.His55Gln)

Gene: BICD2 (BICD cargo adaptor 2; minus strand). Cytogenetic location: 9q22.31.
Variant type: single nucleotide variant.
Coding change: c.165C>A on transcript NM_001003800.2 (MANE Select); coding-DNA position 165, C replaced by A.
Protein change: p.His55Gln; replaces histidine 55 with glutamine.
Molecular consequence: missense variant.
Genome position (GRCh38, 1-based): chr9:92,764,580, G>T on the plus strand (C>A on the coding strand, the complement: BICD2 is on the minus strand). VCF-style: chr9-92764580-G-T. GRCh37 (hg19) VCF-style: chr9-95526862-G-T.
Other names: c.165C>A, p.His55Gln (NM_015250.4); short protein forms H55Q.
Identifiers: ClinVar variation 1028906 (VCV001028906.2), dbSNP rs150915279, ClinGen allele CA374031993.

ClinVar aggregate classification (germline): Uncertain significance. Review status: criteria provided, multiple submitters, no conflicts (2 of 4 stars). 2 submissions from 2 submitters: Uncertain significance (2). Last evaluated 2025-06-03.

Conditions:
Inborn genetic diseases. Identifiers: MedGen C0950123, MeSH D030342.
Autosomal dominant childhood-onset proximal spinal muscular atrophy with contractures (SMALED2A). Also called: Spinal muscular atrophy, lower extremity-predominant, 2A, autosomal dominant; SPINAL MUSCULAR ATROPHY, LOWER EXTREMITY-PREDOMINANT, 2A, CHILDHOOD ONSET, AUTOSOMAL DOMINANT. Identifiers: Orphanet 363447, Orphanet 363454, MedGen C4747715, MONDO:0014121, OMIM 615290.

Allele frequency attached by ClinVar (database versions not stated): gnomAD exomes 0.00001.
gnomAD v4.1: 1 of 1,571,252 alleles (0.000064%); highest among the groups gnomAD compares: Admixed American, 0.0019%; no homozygotes.

Submissions (2):

Ambry Genetics
Classification: Uncertain significance for Inborn genetic diseases. Last evaluated: 2025-06-03. Review status: criteria provided, single submitter. Criteria: Ambry Variant Classification Scheme 2023. Collection method: clinical testing. Allele origin: germline.

Baylor Genetics
Classification: Uncertain significance for Autosomal dominant childhood-onset proximal spinal muscular atrophy with contractures. Last evaluated: 2019-01-24. Review status: criteria provided, single submitter. Criteria: ACMG Guidelines, 2015. Collection method: clinical testing. Allele origin: maternal. Affected: yes.
Comment: This variant was determined to be of uncertain significance according to ACMG Guidelines, 2015 [PMID:25741868].